The following is an entry in ClinVar:

ClinVar aggregate classification (germline): Uncertain significance (1 of 4 stars; one submission).

Submission:

CeGaT Center for Human Genetics Tuebingen
Classification: Uncertain significance. Last evaluated: 2023-03-01. Review status: criteria provided, single submitter. Criteria: CeGaT Center For Human Genetics Tuebingen Variant Classification Criteria Version 2. Collection method: clinical testing. Allele origin: germline. Affected: yes. Observed: 1 variant allele.
Comment: OPA3: PM2, PVS1:Moderate, BP5

NM_025136.4(OPA3):c.340G>T (p.Glu114Ter)

Genes: OPA3 (outer mitochondrial membrane lipid metabolism regulator OPA3; minus strand), OPA3-RTN2 (OPA3-RTN2 readthrough; minus strand). Cytogenetic location: 19q13.32.
Variant type: single nucleotide variant.
Coding change: c.340G>T on transcript NM_025136.4 (MANE Select); coding-DNA position 340, G replaced by T.
Protein change: p.Glu114Ter; replaces glutamic acid 114 with a stop codon.
Molecular consequence: nonsense. On other transcripts: intron variant (1).
Genome position (GRCh38, 1-based): chr19:45,553,714, C>A on the plus strand (G>T on the coding strand, the complement: OPA3 is on the minus strand). VCF-style: chr19-45553714-C-A. GRCh37 (hg19) VCF-style: chr19-46056972-C-A.
Other names: c.143-24258G>T (NM_001017989.3); short protein forms E114*.
Identifiers: ClinVar variation 2650116 (VCV002650116.24), dbSNP rs2513824079, ClinGen allele CA406370623.